The following is an entry in ClinVar:

NM_000388.4(CASR):c.1901T>C (p.Phe634Ser)

Gene: CASR (calcium sensing receptor; plus strand). Cytogenetic location: 3q21.1.
Variant type: single nucleotide variant.
Coding change: c.1901T>C on transcript NM_000388.4 (MANE Select); coding-DNA position 1901, T replaced by C.
Protein change: p.Phe634Ser; replaces phenylalanine 634 with serine.
Molecular consequence: missense variant.
Genome position (GRCh38, 1-based): chr3:122,283,855, T>C. VCF-style: chr3-122283855-T-C. GRCh37 (hg19) VCF-style: chr3-122002702-T-C.
Other names: c.1931T>C, p.Phe644Ser (NM_001178065.2); short protein forms F634S, F644S.
Identifiers: ClinVar variation 1256478 (VCV001256478.11), dbSNP rs2107649591, ClinGen allele CA354157900.

ClinVar aggregate classification (germline): Conflicting classifications of pathogenicity. Review status: criteria provided, conflicting classifications (1 of 4 stars). 3 submissions from 3 submitters: Likely pathogenic (1); Uncertain significance (2). Last evaluated 2024-12-29.

Conditions:
Autosomal dominant hypocalcemia 1 (HYPOC1). Also called: HYPOCALCEMIA, FAMILIAL. Identifiers: MedGen C3715128, MONDO:0011013, OMIM 601198.
Familial hypocalciuric hypercalcemia (FHH). Also called: Familial benign hypercalcemia. Identifiers: Orphanet 405, MedGen C1809471, MONDO:0018458.

Submissions (3):

Labcorp Genetics (formerly Invitae), Labcorp
Classification: Uncertain significance for Familial hypocalciuric hypercalcemia; Autosomal dominant hypocalcemia 1. Last evaluated: 2024-12-29. Review status: criteria provided, single submitter. Criteria: Invitae Variant Classification Sherloc (09022015). Collection method: clinical testing. Allele origin: germline.
Comment: This sequence change replaces phenylalanine, which is neutral and non-polar, with serine, which is neutral and polar, at codon 634 of the CASR protein (p.Phe634Ser). This variant is not present in population databases (gnomAD no frequency). This missense change has been observed in individual(s) with CASR-related conditions (PMID: 26963950, 32347971). ClinVar contains an entry for this variant (Variation ID: 1256478). An algorithm developed to predict the effect of missense changes on protein structure and function (PolyPhen-2) suggests that this variant is likely to be disruptive. In summary, the available evidence is currently insufficient to determine the role of this variant in disease. Therefore, it has been classified as a Variant of Uncertain Significance.

Athena Diagnostics
Classification: Uncertain significance. Last evaluated: 2021-02-03. Review status: criteria provided, single submitter. Criteria: Athena Diagnostics criteria. Collection method: clinical testing. Allele origin: unknown.

Genetic Services Laboratory, University of Chicago
Classification: Likely pathogenic. Last evaluated: 2018-08-30. Review status: criteria provided, single submitter. Criteria: ACMG Guidelines, 2015. Collection method: clinical testing. Allele origin: germline. Affected: yes.
Comment: DNA sequence analysis of the CASR gene demonstrated a sequence change, c.1901T>C, in exon 7 that results in an amino acid change, p.Phe634Ser. The p.Phe634Ser change affects a highly conserved amino acid residue located in a domain of the CASR protein that is known to be functional. The p.Phe634Ser substitution appears to be deleterious using several in-silico pathogenicity prediction tools (SIFT, PolyPhen2, Align GVGD, REVEL). This particular sequence change has been previously described in the literature in another patient with familial hypocalciuric hypercalcemia (PMID: 26963950).

Literature cited by the submitters: PubMed 26963950 (cited by Labcorp Genetics (formerly Invitae), Labcorp and Athena Diagnostics); PubMed 32347971 (cited by Labcorp Genetics (formerly Invitae), Labcorp and Athena Diagnostics).